The following is an entry in ClinVar:

NM_001098.3(ACO2):c.1605+7G>A

Gene: ACO2 (aconitase 2; plus strand). Cytogenetic location: 22q13.2.
Variant type: single nucleotide variant.
Coding change: c.1605+7G>A on transcript NM_001098.3 (MANE Select); 7 bases into the intron after coding-DNA position 1605, G replaced by A.
Molecular consequence: intron variant.
Genome position (GRCh38, 1-based): chr22:41,524,975, G>A. VCF-style: chr22-41524975-G-A. GRCh37 (hg19) VCF-style: chr22-41920979-G-A.
Identifiers: ClinVar variation 380965 (VCV000380965.13), dbSNP rs199660399, ClinGen allele CA10257708.
Genomic context (GRCh38, chr22:41,524,975, plus strand): 5'-GATGGCAAGAAGTTCAGGCTGGAGGCTCCGGATGCAGATGAGCTTCCCAAAGGGGTGAGC[G>A]CCCACGCCCCCTGCTTGCTGGTTGCTGTGTGGCCACGTCACTTCCTTCTCAACCTCACAG-3'

ClinVar aggregate classification (germline): Benign/Likely benign. Review status: criteria provided, multiple submitters, no conflicts (2 of 4 stars). 3 submissions from 3 submitters: Benign (1); Likely benign (2). Last evaluated 2025-12-16.

Allele frequency attached by ClinVar (database versions not stated): gnomAD exomes 0.00008 and 0.00023; 1000 Genomes Project 30x 0.00016; 1000 Genomes Project 0.00020; ExAC 0.00031; ESP Exome Variant Server 0.00069; gnomAD 0.00078 and 0.00089; TOPMed 0.00088.
gnomAD v4.1: 236 of 1,614,130 alleles (0.015%); highest among the groups gnomAD compares: African/African-American, 0.26%; no homozygotes.

Submissions (3):

Labcorp Genetics (formerly Invitae), Labcorp
Classification: Benign. Last evaluated: 2025-12-16. Review status: criteria provided, single submitter. Criteria: Invitae Variant Classification Sherloc (09022015). Collection method: clinical testing. Allele origin: germline.

Blueprint Genetics
Classification: Likely benign. Last evaluated: 2024-10-22. Review status: criteria provided, single submitter. Criteria: ACMG Guidelines, 2015. Collection method: clinical testing. Allele origin: germline.

GeneDx
Classification: Likely benign. Last evaluated: 2015-10-22. Review status: criteria provided, single submitter. Criteria: GeneDx Variant Classification (06012015). Collection method: clinical testing. Allele origin: germline. Affected: yes.
Comment: This variant is considered likely benign or benign based on one or more of the following criteria: it is a conservative change, it occurs at a poorly conserved position in the protein, it is predicted to be benign by multiple in silico algorithms, and/or has population frequency not consistent with disease.